The following is an entry in ClinVar:

ClinVar aggregate classification (germline): Uncertain significance. Review status: criteria provided, multiple submitters, no conflicts (2 of 4 stars). 2 submissions from 2 submitters: Uncertain significance (2). Last evaluated 2025-01-08.

Conditions:
Diamond-Blackfan anemia. Also called: Blackfan Diamond syndrome; Aregenerative anemia chronic congenital; Red cell aplasia, pure hereditary; Congenital hypoplastic anemia; Aase syndrome. Identifiers: Orphanet 124, MedGen C1260899, MeSH D029503, MONDO:0015253, HP:0004810.

gnomAD v4.1: 14 of 1,614,072 alleles (0.00087%); highest among the groups gnomAD compares: African/African-American, 0.0013%; no homozygotes.

Submissions (2):

Ambry Genetics
Classification: Uncertain significance. Last evaluated: 2025-01-08. Review status: criteria provided, single submitter. Criteria: Ambry Variant Classification Scheme 2023. Collection method: clinical testing. Allele origin: germline.

Labcorp Genetics (formerly Invitae), Labcorp
Classification: Uncertain significance for Diamond-Blackfan anemia. Last evaluated: 2023-10-23. Review status: criteria provided, single submitter. Criteria: Invitae Variant Classification Sherloc (09022015). Collection method: clinical testing. Allele origin: germline.
Comment: This sequence change replaces serine, which is neutral and polar, with arginine, which is basic and polar, at codon 97 of the RPS10 protein (p.Ser97Arg). This variant is present in population databases (rs145746888, gnomAD 0.007%). This variant has not been reported in the literature in individuals affected with RPS10-related conditions. An algorithm developed to predict the effect of missense changes on protein structure and function (PolyPhen-2) suggests that this variant is likely to be tolerated. In summary, the available evidence is currently insufficient to determine the role of this variant in disease. Therefore, it has been classified as a Variant of Uncertain Significance.

NM_001014.5(RPS10):c.291C>G (p.Ser97Arg)

Genes: RPS10-NUDT3 (RPS10-NUDT3 readthrough; minus strand), RPS10 (ribosomal protein S10; minus strand). Cytogenetic location: 6p21.31.
Variant type: single nucleotide variant.
Coding change: c.291C>G on transcript NM_001014.5 (MANE Select); coding-DNA position 291, C replaced by G.
Protein change: p.Ser97Arg; replaces serine 97 with arginine.
Molecular consequence: missense variant.
Genome position (GRCh38, 1-based): chr6:34,424,700, G>C on the plus strand (C>G on the coding strand, the complement: RPS10 is on the minus strand). VCF-style: chr6-34424700-G-C. GRCh37 (hg19) VCF-style: chr6-34392477-G-C.
Other names: c.291C>G, p.Ser97Arg (NM_001202470.3, NM_001203245.3, NM_001204091.2); c.291C>G (NM_001202470.2); short protein forms S97R.
Identifiers: ClinVar variation 3023392 (VCV003023392.4), dbSNP rs145746888, ClinGen allele CA3765085.
Genomic context (GRCh38, chr6:34,424,700, plus strand): 5'-AGCTGAAGGGATTTGTGTGGGAACCATACCTTTAGGCCGAGGCCTGCCAGTCTCTGGACG[G>C]CTACGGCGTAGGGTGGCAGGCACAATCTCCGGGGGCAGATGAAGGTAATCACGGAGATAC-3'
Protein context (NP_001005.1, residues 87-107): PEIVPATLRR[Ser97Arg]RPETGRPRPK